The following is an entry in ClinVar:

ClinVar aggregate classification (germline): Uncertain significance (1 of 4 stars; one submission).

Conditions:
Hereditary nonpolyposis colorectal neoplasms. Identifiers: MedGen C0009405, MeSH D003123.

Submission:

Labcorp Genetics (formerly Invitae), Labcorp
Classification: Uncertain significance for Hereditary nonpolyposis colorectal neoplasms. Last evaluated: 2021-06-29. Review status: criteria provided, single submitter. Criteria: Invitae Variant Classification Sherloc (09022015). Collection method: clinical testing. Allele origin: germline.
Comment: Advanced modeling of protein sequence and biophysical properties (such as structural, functional, and spatial information, amino acid conservation, physicochemical variation, residue mobility, and thermodynamic stability) performed at Invitae indicates that this missense variant is not expected to disrupt MSH6 protein function. In summary, the available evidence is currently insufficient to determine the role of this variant in disease. Therefore, it has been classified as a Variant of Uncertain Significance. This variant has not been reported in the literature in individuals with MSH6-related conditions. This variant is not present in population databases (ExAC no frequency). This sequence change replaces valine with leucine at codon 801 of the MSH6 protein (p.Val801Leu). The valine residue is moderately conserved and there is a small physicochemical difference between valine and leucine.

NM_000179.3(MSH6):c.2401G>T (p.Val801Leu)

Gene: MSH6 (mutS homolog 6; plus strand). Cytogenetic location: 2p16.3.
Variant type: single nucleotide variant.
Coding change: c.2401G>T on transcript NM_000179.3 (MANE Select); coding-DNA position 2401, G replaced by T.
Protein change: p.Val801Leu; replaces valine 801 with leucine.
Molecular consequence: missense variant.
Genome position (GRCh38, 1-based): chr2:47,800,384, G>T. VCF-style: chr2-47800384-G-T. GRCh37 (hg19) VCF-style: chr2-48027523-G-T.
Other names: c.2011G>T, p.Val671Leu (NM_001281492.2); c.1495G>T, p.Val499Leu (NM_001281493.2, NM_001281494.2); short protein forms V499L, V671L, V801L.
Identifiers: ClinVar variation 1435940 (VCV001435940.8), dbSNP rs1265121267, ClinGen allele CA346753924.